The following is an entry in ClinVar:

ClinVar aggregate classification (germline): Conflicting classifications of pathogenicity. Review status: criteria provided, conflicting classifications (1 of 4 stars). 2 submissions from 2 submitters: Uncertain significance (1); Likely benign (1). Last evaluated 2025-02-27.

Conditions:
Kleefstra syndrome 1 (KLEFS1). Identifiers: Orphanet 261494, MedGen C0795833, MONDO:0027407, OMIM 610253.

Allele frequency attached by ClinVar (database versions not stated): gnomAD exomes 0.00001; TOPMed 0.00002; gnomAD 0.00003.
gnomAD v4.1: 15 of 1,598,622 alleles (0.00094%); highest among the groups gnomAD compares: African/African-American, 0.0027%; no homozygotes.

Submissions (2):

Labcorp Genetics (formerly Invitae), Labcorp
Classification: Likely benign for Kleefstra syndrome 1. Last evaluated: 2025-02-27. Review status: criteria provided, single submitter. Criteria: Invitae Variant Classification Sherloc (09022015). Collection method: clinical testing. Allele origin: germline.

GeneDx
Classification: Uncertain significance. Last evaluated: 2023-01-27. Review status: criteria provided, single submitter. Criteria: GeneDx Variant Classification Process June 2021. Collection method: clinical testing. Allele origin: germline. Affected: yes.
Comment: In silico analysis supports that this missense variant does not alter protein structure/function; Has not been previously published as pathogenic or benign to our knowledge

NM_024757.5(EHMT1):c.38G>A (p.Gly13Glu)

Gene: EHMT1 (euchromatic histone lysine methyltransferase 1; plus strand). Cytogenetic location: 9q34.3.
Variant type: single nucleotide variant.
Coding change: c.38G>A on transcript NM_024757.5 (MANE Select); coding-DNA position 38, G replaced by A.
Protein change: p.Gly13Glu; replaces glycine 13 with glutamic acid.
Molecular consequence: missense variant. On other transcripts: intron variant (2).
Genome position (GRCh38, 1-based): chr9:137,710,983, G>A. VCF-style: chr9-137710983-G-A. GRCh37 (hg19) VCF-style: chr9-140605435-G-A.
Other names: c.38G>A, p.Gly13Glu (NM_001145527.2, NM_001354263.2, NM_001354611.2); c.-8-5643G>A (NM_001354259.2, NM_001354612.2); short protein forms G13E.
Identifiers: ClinVar variation 531852 (VCV000531852.10), dbSNP rs925532395, ClinGen allele CA201796695.
Genomic context (GRCh38, chr9:137,710,983, plus strand): 5'-CCTCCCACTGAACCCGGCTGACGGCTGTTGTTTCTCTCTAACAGGCAGTTCCGGCGAGGG[G>A]GGAGCCTCAGCAGGATTGCTGTGTGAAAACCGAGCTGCTGGGAGAAGGTGAGGGCGGTGT-3'
Protein context (NP_079033.4, residues 3-23): AADAEAVPAR[Gly13Glu]EPQQDCCVKT